The following is an entry in ClinVar:

ClinVar aggregate classification (germline): Uncertain significance (1 of 4 stars; one submission).

Conditions:
Hereditary hemorrhagic telangiectasia (HHT). Also called: Osler hemorrhagic telangiectasia syndrome; ORW DISEASE; Osler Weber Rendu syndrome; OSLER-RENDU-WEBER DISEASE. Identifiers: Orphanet 774, MedGen C0039445, MONDO:0019180. Disease mechanism: loss of function.

Submission:

Labcorp Genetics (formerly Invitae), Labcorp
Classification: Uncertain significance for Hereditary hemorrhagic telangiectasia. Last evaluated: 2020-05-03. Review status: criteria provided, single submitter. Criteria: Invitae Variant Classification Sherloc (09022015). Collection method: clinical testing. Allele origin: germline.
Comment: In summary, the available evidence is currently insufficient to determine the role of this variant in disease. Therefore, it has been classified as a Variant of Uncertain Significance. This variant is not present in population databases (ExAC no frequency). This variant has not been reported in the literature in individuals with ENG-related conditions. Algorithms developed to predict the effect of missense changes on protein structure and function are either unavailable or do not agree on the potential impact of this missense change (SIFT: "Tolerated"; PolyPhen-2: "Possibly Damaging"; Align-GVGD: "Class C0"). This sequence change replaces serine with asparagine at codon 432 of the ENG protein (p.Ser432Asn). The serine residue is moderately conserved and there is a small physicochemical difference between serine and asparagine.

NM_001114753.3(ENG):c.1295G>A (p.Ser432Asn)

Genes: ENG (endoglin; minus strand), LOC102723566 (uncharacterized LOC102723566; plus strand). Cytogenetic location: 9q34.11.
Variant type: single nucleotide variant.
Coding change: c.1295G>A on transcript NM_001114753.3 (MANE Select); coding-DNA position 1295, G replaced by A.
Protein change: p.Ser432Asn; replaces serine 432 with asparagine.
Molecular consequence: missense variant.
Genome position (GRCh38, 1-based): chr9:127,819,638, C>T on the plus strand (G>A on the coding strand, the complement: ENG is on the minus strand). VCF-style: chr9-127819638-C-T. GRCh37 (hg19) VCF-style: chr9-130581917-C-T.
Other names: c.1295G>A, p.Ser432Asn (NM_000118.4); c.749G>A, p.Ser250Asn (NM_001278138.2); short protein forms S250N, S432N.
Identifiers: ClinVar variation 1060747 (VCV001060747.10), dbSNP rs763594769, ClinGen allele CA374978037.